The following is an entry in ClinVar:

ClinVar aggregate classification (germline): Pathogenic. Review status: criteria provided, multiple submitters, no conflicts (2 of 4 stars). 29 submissions from 27 submitters: Pathogenic (25). 4 of the submissions do not count toward it. Last evaluated 2026-05-18.

Conditions:
NF1-related disorder. Also called: NF1-related condition. Identifiers: MedGen CN379171.
Hereditary cancer-predisposing syndrome. Also called: Tumor predisposition; Hereditary neoplastic syndrome; Hereditary Cancer Syndrome; Neoplastic Syndromes, Hereditary. Identifiers: Orphanet 140162, MedGen C0027672, MeSH D009386, MONDO:0015356.
Cardiovascular phenotype. Identifiers: MedGen CN230736.
Optic nerve glioma. Identifiers: MedGen C0346326, MONDO:0003235, HP:0009734.
Neurofibroma. Identifiers: Orphanet 252183, MedGen C0027830, MeSH D009455, MONDO:0016755, HP:0001067.
Axillary freckling. Identifiers: MedGen C1860335, HP:0000997.
Cafe au lait spots, multiple. Also called: Neurofibromatosis type 6. Identifiers: Orphanet 2678, MedGen C1861975, MONDO:0007245, OMIM 114030, HP:0007565. Disease mechanism: loss of function.
Café-au-lait macules with pulmonary stenosis (WTSN). Also called: PULMONIC STENOSIS WITH CAFE-AU-LAIT SPOTS. Identifiers: MedGen C0553586, MONDO:0008672, OMIM 193520.
Neurofibromatosis-Noonan syndrome (NFNS). Also called: NEUROFIBROMATOSIS WITH NOONAN PHENOTYPE. Identifiers: Orphanet 638, MedGen C2931482, MONDO:0011035, OMIM 601321. Disease mechanism: loss of function.
Neurofibromatosis, type 1 (NF1). Also called: Peripheral type neurofibromatosis; VON RECKLINGHAUSEN DISEASE; NEUROFIBROMATOSIS, TYPE I, SOMATIC; Neurofibromatosis, type I. Identifiers: Orphanet 636, MedGen C0027831, MONDO:0018975, OMIM 162200. Disease mechanism: loss of function.
Juvenile myelomonocytic leukemia (JMML). Also called: LEUKEMIA, JUVENILE MYELOMONOCYTIC, SOMATIC. Identifiers: Orphanet 86834, MedGen C0349639, MONDO:0011908, OMIM 607785, HP:0012209.
Neurofibromatosis, familial spinal (FSNF). Identifiers: Orphanet 636, MedGen C1834235, MONDO:0008078, OMIM 162210. Disease mechanism: loss of function.
Pheochromocytoma. Also called: MAX-Related Hereditary Paraganglioma-Pheochromocytoma Syndrome. Identifiers: Orphanet 29072, MedGen C0031511, MONDO:0008233, OMIM 171300, HP:0002666.

Allele frequency attached by ClinVar (database versions not stated): gnomAD exomes below 0.00001; TOPMed below 0.00001; ExAC 0.00001; gnomAD 0.00002.
gnomAD v4.1: 4 of 1,613,564 alleles (0.00025%); highest among the groups gnomAD compares: African/African-American, 0.0013%; no homozygotes.

Submissions 1 to 12 of 30:

Institute of Human Genetics, University of Leipzig Medical Center
Classification: Pathogenic for Neurofibromatosis, type 1. Last evaluated: 2026-05-18. Review status: criteria provided, single submitter. Criteria: ACMG Guidelines, 2015. Collection method: clinical testing. Allele origin: unknown. Inheritance: Autosomal dominant inheritance. Affected: yes.
Comment: Criteria applied: PS2_SUP, PS4,PM5_STR,PP2,PP3

Department of Genetics, Sultan Qaboos University Hospital
Classification: Pathogenic for Neurofibromatosis, type 1. Last evaluated: 2026-04-01. Review status: criteria provided, single submitter. Criteria: ACMG Guidelines, 2015. Collection method: clinical testing. Allele origin: germline. Affected: yes. Observed: 1 variant allele.
Comment: PM1,PM2,PM5,PP3_Strong,PP5_Very_Strong

Labcorp Genetics (formerly Invitae), Labcorp
Classification: Pathogenic for Neurofibromatosis, type 1. Last evaluated: 2026-01-14. Review status: criteria provided, single submitter. Criteria: Invitae Variant Classification Sherloc (09022015). Collection method: clinical testing. Allele origin: germline.
Comment: This sequence change replaces lysine, which is basic and polar, with glutamic acid, which is acidic and polar, at codon 1423 of the NF1 protein (p.Lys1423Glu). This variant is not present in population databases (gnomAD no frequency). This missense change has been observed in individual(s) with neurofibromatosis type 1 and neurofibromatosis-Noonan syndrome (PMID: 1568247, 11857752, 16380919, 16786508, 23244495, 27322474). In at least one individual the variant was observed to be de novo. It has also been observed to segregate with disease in related individuals. Invitae Evidence Modeling of clinical and family history, age, sex, and reported ancestry of multiple individuals with this NF1 variant has been performed. This variant is expected to be pathogenic with a positive predictive value of at least 99%. This is a validated machine learning model that incorporates the clinical features of 1,785,918 individuals referred to our laboratory for NF1 testing. ClinVar contains an entry for this variant (Variation ID: 336). An algorithm developed to predict the effect of missense changes on protein structure and function (PolyPhen-2) suggests that this variant is likely to be disruptive. Experimental studies have shown that this missense change affects NF1 function (PMID: 1568247, 8264648, 22807134). For these reasons, this variant has been classified as Pathogenic.

Variantyx, Inc.
Classification: Pathogenic for Neurofibromatosis, type 1. Last evaluated: 2025-12-31. Review status: criteria provided, single submitter. Criteria: Variantyx Assertion Criteria 2022. Collection method: clinical testing. Allele origin: germline. Inheritance: Autosomal dominant inheritance. Affected: yes.
Comment: This is a nonsynonymous variant in the NF1 gene (OMIM: 613113). Pathogenic variants in this gene have been associated with autosomal dominant neurofibromatosis type 1. This is an established founder variant in the Turkish population (PMID: 33877690, 31595648) (PS4). Functional studies have shown that this variant alters NF1 protein function (PMID: 34694046, 40225167, 8264648) (PS3), and multiple computational algorithms predict a deleterious effect for this variant (REVEL score: 0.905) (PP3). Moreover, al ternate amino acid changes at this position (p.Lys1444Asn, p.Lys1444Thr) have been previously reported in similarly affected individuals, which suggests that this amnio acid residue is biologically important (PM5). This variant has a 0.0013% maximum allele frequency in non-founder control populations. Based on the current evidence, this variant is classified as pathogenic for autosomal dominant neurofibromatosis type 1.

Victorian Clinical Genetics Services, Murdoch Childrens Research Institute
Classification: Pathogenic for Neurofibromatosis, type 1. Last evaluated: 2025-09-23. Review status: criteria provided, single submitter. Criteria: ACMG Guidelines, 2015. Collection method: clinical testing. Allele origin: germline. Affected: yes.
Comment: This variant is classified as Pathogenic. Evidence in support of pathogenic classification: Variant is present in gnomAD <0.001 for a dominant condition (v4: 4 heterozygote(s), 0 homozygote(s)); This variant has strong previous evidence of pathogenicity in unrelated individuals. This variant has been classified as pathogenic by multiple clinical laboratories in ClinVar; Variant is located in a hotspot region or cluster of PATHOGENIC variants (DECIPHER); Missense variant predicted to be damaging by in silico tool(s) or highly conserved with a major amino acid change; Additional information: Variant is predicted to result in a missense amino acid change from Lys to Glu; This variant is heterozygous; This gene is associated with autosomal dominant disease; Alternative amino acid change(s) at the same position are present in gnomAD (v4: 1 heterozygote(s), 0 homozygote(s)); Loss of function is a known mechanism of disease in this gene and is associated with neurofibromatosis type 1 (MONDO:0018975); Variants in this gene are known to have variable expressivity. Disease manifestation can be extremely variable, even within a family (PMID: 20301288).

NHS Central & South Genomic Laboratory Hub
Classification: Pathogenic for Neurofibromatosis type 1. Last evaluated: 2024-11-12. Review status: criteria provided, single submitter. Criteria: ACMG Guidelines, 2015. Collection method: clinical testing. Allele origin: germline. Affected: yes.

Centre of Medical Genetics, University Hospital Muenster
Classification: Pathogenic for Neurofibromatosis, type 1. Last evaluated: 2024-10-11. Review status: criteria provided, single submitter. Criteria: ACMG Guidelines, 2015. Collection method: clinical testing. Allele origin: unknown. Affected: yes. Observed: 1 variant allele, 1 heterozygote.
Comment: ACMG categories: PS3,PS4,PM2_sup,PM5_strong,PP2,PP3

Dubai Health Genomic Medicine Center, Dubai Health
Classification: Pathogenic for Watson syndrome. Last evaluated: 2024-10-04. Review status: criteria provided, single submitter. Criteria: ACMG Guidelines, 2015. Collection method: research. Allele origin: germline. Affected: yes.
Comment: PS3,PS2,PP1,PS4

Dasa
Classification: Pathogenic. Last evaluated: 2024-06-24. Review status: criteria provided, single submitter. Criteria: DASA Assertion Criteria. Collection method: clinical testing. Allele origin: germline.
Comment: NM_001042492.3(NF1):c.4330A>G (p.Lys1444Glu) is a missense variant that results in the substitution of lysine with glutamic acid. Functional evidence supports a deleterious effect on the gene or gene product (PMID: 1568247; PMID: 8264648; PMID: 22807134; PMID: 11857752; PMID: 16380919). This variant has been recurrently observed in individuals with related phenotype (PMID: 1568247; PMID: 8264648; PMID: 22807134; PMID: 11857752; PMID: 16380919). Segregation evidence has been reported in affected families. The variant is present at low frequency in population datasets. Based on the available data, this variant is classified as pathogenic.

Blueprint Genetics
Classification: Pathogenic for NF1-related disorders. Last evaluated: 2024-05-23. Review status: criteria provided, single submitter. Criteria: ACMG Guidelines, 2015. Collection method: clinical testing. Allele origin: germline. Affected: yes. Observed: 3 variant alleles.

Baylor Genetics
Classification: Pathogenic for Juvenile myelomonocytic leukemia. Last evaluated: 2023-12-21. Review status: criteria provided, single submitter. Criteria: ACMG Guidelines, 2015. Collection method: clinical testing. Allele origin: unknown.

Clinical Genetics Laboratory, Skane University Hospital Lund
Classification: Pathogenic. Last evaluated: 2023-06-07. Review status: criteria provided, single submitter. Criteria: ACMG Guidelines, 2015. Collection method: clinical testing. Allele origin: germline. Affected: yes.

NM_001042492.3(NF1):c.4330A>G (p.Lys1444Glu)

Gene: NF1 (neurofibromin 1; plus strand). Cytogenetic location: 17q11.2.
Variant type: single nucleotide variant.
Coding change: c.4330A>G on transcript NM_001042492.3 (MANE Select); coding-DNA position 4330, A replaced by G.
Protein change: p.Lys1444Glu; replaces lysine 1444 with glutamic acid.
Molecular consequence: missense variant.
Genome position (GRCh38, 1-based): chr17:31,258,500, A>G. VCF-style: chr17-31258500-A-G. GRCh37 (hg19) VCF-style: chr17-29585518-A-G.
Other names: c.4267A>G, p.Lys1423Glu (NM_000267.4); short protein forms K1423E, K1444E.
Identifiers: ClinVar variation 336 (VCV000000336.56), dbSNP rs137854550, ClinGen allele CA251440.